The following is an entry in ClinVar:

ClinVar aggregate classification (germline): Uncertain significance (1 of 4 stars; one submission).

gnomAD v4.1: 1 of 1,604,776 alleles (0.000062%); highest among the groups gnomAD compares: South Asian, 0.0011%; no homozygotes.

Submission:

Labcorp Genetics (formerly Invitae), Labcorp
Classification: Uncertain significance. Last evaluated: 2025-07-06. Review status: criteria provided, single submitter. Criteria: Invitae Variant Classification Sherloc (09022015). Collection method: clinical testing. Allele origin: germline.
Comment: This sequence change replaces serine, which is neutral and polar, with arginine, which is basic and polar, at codon 482 of the A2ML1 protein (p.Ser482Arg). This variant is not present in population databases (gnomAD no frequency). This variant has not been reported in the literature in individuals affected with A2ML1-related conditions. An algorithm developed to predict the effect of missense changes on protein structure and function outputs the following: PolyPhen-2: "Benign". The arginine amino acid residue is found in multiple mammalian species, which suggests that this missense change does not adversely affect protein function. In summary, the available evidence is currently insufficient to determine the role of this variant in disease. Therefore, it has been classified as a Variant of Uncertain Significance.

NM_144670.6(A2ML1):c.1444A>C (p.Ser482Arg)

Gene: A2ML1 (alpha-2-macroglobulin like 1; plus strand). Cytogenetic location: 12p13.31.
Variant type: single nucleotide variant.
Coding change: c.1444A>C on transcript NM_144670.6 (MANE Select); coding-DNA position 1444, A replaced by C.
Protein change: p.Ser482Arg; replaces serine 482 with arginine.
Molecular consequence: missense variant.
Genome position (GRCh38, 1-based): chr12:8,843,329, A>C. VCF-style: chr12-8843329-A-C. GRCh37 (hg19) VCF-style: chr12-8995925-A-C.
Other names: short protein forms S482R.
Identifiers: ClinVar variation 4739380 (VCV004739380.1).